The following is an entry in ClinVar:

NM_001352754.2(ARMC9):c.1798G>A (p.Asp600Asn)

Gene: ARMC9 (armadillo repeat containing 9; plus strand). Cytogenetic location: 2q37.1.
Variant type: single nucleotide variant.
Coding change: c.1798G>A on transcript NM_001352754.2 (MANE Select); coding-DNA position 1798, G replaced by A.
Protein change: p.Asp600Asn; replaces aspartic acid 600 with asparagine.
Molecular consequence: missense variant. On other transcripts: non-coding transcript variant (1), intron variant (1).
Genome position (GRCh38, 1-based): chr2:231,331,817, G>A. VCF-style: chr2-231331817-G-A. GRCh37 (hg19) VCF-style: chr2-232196529-G-A.
Other names: c.1798G>A, p.Asp600Asn (NM_001271466.4, NM_001291656.2, NM_001352755.2 and 2 more transcripts); c.1699G>A, p.Asp567Asn (NM_001352757.2, NM_001352758.2); c.1774-13158G>A (NM_001352759.2); short protein forms D600N, D567N.
Identifiers: ClinVar variation 1525661 (VCV001525661.5), dbSNP rs143200464, ClinGen allele CA2160498.

ClinVar aggregate classification (germline): Uncertain significance. Review status: criteria provided, multiple submitters, no conflicts (2 of 4 stars). 2 submissions from 2 submitters: Uncertain significance (2). Last evaluated 2024-05-23.

Allele frequency attached by ClinVar (database versions not stated): gnomAD exomes 0.00004; gnomAD 0.00005; TOPMed 0.00006; ExAC 0.00007; ESP Exome Variant Server 0.00023.
gnomAD v4.1: 42 of 1,613,812 alleles (0.0026%); highest among the groups gnomAD compares: African/African-American, 0.02%; no homozygotes.

Submissions (2):

Blueprint Genetics
Classification: Uncertain significance. Last evaluated: 2024-05-23. Review status: criteria provided, single submitter. Criteria: ACMG Guidelines, 2015. Collection method: clinical testing. Allele origin: germline.

Labcorp Genetics (formerly Invitae), Labcorp
Classification: Uncertain significance. Last evaluated: 2022-07-13. Review status: criteria provided, single submitter. Criteria: Invitae Variant Classification Sherloc (09022015). Collection method: clinical testing. Allele origin: germline.
Comment: In summary, the available evidence is currently insufficient to determine the role of this variant in disease. Therefore, it has been classified as a Variant of Uncertain Significance. Experimental studies and prediction algorithms are not available or were not evaluated, and the functional significance of this variant is currently unknown. ClinVar contains an entry for this variant (Variation ID: 1525661). This variant has not been reported in the literature in individuals affected with ARMC9-related conditions. This variant is present in population databases (rs143200464, gnomAD 0.02%). This sequence change replaces aspartic acid, which is acidic and polar, with asparagine, which is neutral and polar, at codon 600 of the ARMC9 protein (p.Asp600Asn).